The following is an entry in ClinVar:

ClinVar aggregate classification (germline): Conflicting classifications of pathogenicity. Review status: criteria provided, conflicting classifications (1 of 4 stars). 11 submissions from 8 submitters: Pathogenic (2); Likely pathogenic (6); Uncertain significance (2). 1 of the submissions does not count toward it. Last evaluated 2025-04-24.

Conditions:
Thyrotoxic periodic paralysis, susceptibility to, 1 (TTPP1). Identifiers: Orphanet 79102, MedGen C2749982, MONDO:0008570, OMIM 188580.
Hypokalemic periodic paralysis, type 1. Also called: HypoPP; Hypokalemic Periodic Paralysis Type 1 (AD). Identifiers: Orphanet 681, MedGen C3714580, MONDO:0042979, OMIM 170400.
Malignant hyperthermia, susceptibility to, 5 (MHS5). Also called: CACNA1S-Related Malignant Hyperthermia Susceptibility. Identifiers: Orphanet 423, MedGen C1866077, MONDO:0011163, OMIM 601887.
Congenital myopathy 18. Also called: Myopathy, congenital, due to dihydropyridine receptor defect; DIHYDROPYRIDINE RECEPTOR CONGENITAL MYOPATHY; DHPR CONGENITAL MYOPATHY. Identifiers: MedGen C5830283, MONDO:0859514, OMIM 620246.

Allele frequency attached by ClinVar (database versions not stated): TOPMed below 0.00001; gnomAD 0.00001.
gnomAD v4.1: 14 of 1,613,936 alleles (0.00087%); highest among the groups gnomAD compares: African/African-American, 0.0027%; no homozygotes.

Submissions (11):

GeneDx
Classification: Pathogenic. Last evaluated: 2025-04-24. Review status: criteria provided, single submitter. Criteria: GeneDx Variant Classification Process June 2021. Collection method: clinical testing. Allele origin: germline. Affected: yes.
Comment: Identified in one individual from a large apparently healthy cohort (PMID: 30476936); Nonsense variant predicted to result in protein truncation or nonsense mediated decay in a gene for which loss of function is a known mechanism of disease; This variant is associated with the following publications: (PMID: 28012042, 26247046, 30476936)

All of Us Research Program, National Institutes of Health
Classification: Uncertain significance for Malignant hyperthermia, susceptibility to, 5. Last evaluated: 2024-06-09. Review status: criteria provided, single submitter. Criteria: ACMG Guidelines, 2015. Collection method: clinical testing. Allele origin: germline. Inheritance: Autosomal dominant inheritance. Observed: 1 variant allele, 1 heterozygote.
Comment: This variant changes 1 nucleotide in exon 17 of the CACNA1S gene, creating a premature translation stop signal. This variant is expected to result in an absent or non-functional protein product. Loss of CACNA1S function due to truncation variants is not an established disease mechanism for autosomal dominant malignant hyperthermia, although it is associated with other phenotype(s) (ClinVar variation ID: 633682). This variant has been identified in 7/251360 chromosomes in the general population by the Genome Aggregation Database (gnomAD). Due to insufficient evidence, this variant is classified as a Variant of Uncertain Significance for autosomal dominant malignant hyperthermia.

This study involves interpretation of variants in research participants for the purpose of population health screening. Participant phenotype was not available at the time of variant classification. Additional details can be found in publication PMID: 35346344, PMCID: PMC8962531

Color Diagnostics, LLC DBA Color Health
Classification: Uncertain significance for Malignant hyperthermia, susceptibility to, 5. Last evaluated: 2024-05-17. Review status: criteria provided, single submitter. Criteria: ACMG Guidelines, 2015. Collection method: clinical testing. Allele origin: germline.
Comment: This variant changes 1 nucleotide in exon 17 of the CACNA1S gene, creating a premature translation stop signal. This variant is expected to result in an absent or non-functional protein product. Loss of CACNA1S function due to truncation variants is not an established disease mechanism for autosomal dominant malignant hyperthermia, although it is associated with other phenotype(s) (ClinVar variation ID: 633682). This variant has been identified in 7/251360 chromosomes in the general population by the Genome Aggregation Database (gnomAD). Due to insufficient evidence, this variant is classified as a Variant of Uncertain Significance for autosomal dominant malignant hyperthermia.

Revvity Omics, Revvity
Classification: Likely pathogenic. Last evaluated: 2024-02-07. Review status: criteria provided, single submitter. Criteria: ACMG Guidelines, 2015. Collection method: clinical testing. Allele origin: germline.

Labcorp Genetics (formerly Invitae), Labcorp
Classification: Pathogenic for Hypokalemic periodic paralysis, type 1; Malignant hyperthermia, susceptibility to, 5. Last evaluated: 2023-06-13. Review status: criteria provided, single submitter. Criteria: Invitae Variant Classification Sherloc (09022015). Collection method: clinical testing. Allele origin: germline.
Comment: For these reasons, this variant has been classified as Pathogenic. ClinVar contains an entry for this variant (Variation ID: 633682). This variant has not been reported in the literature in individuals affected with CACNA1S-related conditions. This variant is present in population databases (rs770073633, gnomAD 0.006%). This sequence change creates a premature translational stop signal (p.Arg757*) in the CACNA1S gene. It is expected to result in an absent or disrupted protein product. Loss-of-function variants in CACNA1S are known to be pathogenic (PMID: 26247046, 28012042).

Genome-Nilou Lab
Classification: Likely pathogenic for Malignant hyperthermia, susceptibility to, 5. Last evaluated: 2023-04-11. Review status: criteria provided, single submitter. Criteria: ACMG Guidelines, 2015. Collection method: clinical testing. Allele origin: germline. Affected: no.

Genome-Nilou Lab
Classification: Likely pathogenic for Thyrotoxic periodic paralysis, susceptibility to, 1. Last evaluated: 2023-04-11. Review status: criteria provided, single submitter. Criteria: ACMG Guidelines, 2015. Collection method: clinical testing. Allele origin: germline. Affected: no.

Genome-Nilou Lab
Classification: Likely pathogenic for Congenital myopathy 18. Last evaluated: 2023-04-11. Review status: criteria provided, single submitter. Criteria: ACMG Guidelines, 2015. Collection method: clinical testing. Allele origin: germline. Affected: no.

Genome-Nilou Lab
Classification: Likely pathogenic for Hypokalemic periodic paralysis, type 1. Last evaluated: 2023-04-11. Review status: criteria provided, single submitter. Criteria: ACMG Guidelines, 2015. Collection method: clinical testing. Allele origin: germline. Affected: no.

Fulgent Genetics
Classification: Likely pathogenic for Hypokalemic periodic paralysis, type 1; Thyrotoxic periodic paralysis, susceptibility to, 1; Malignant hyperthermia, susceptibility to, 5. Last evaluated: 2022-02-13. Review status: criteria provided, single submitter. Criteria: ACMG Guidelines, 2015. Collection method: clinical testing. Allele origin: unknown.

Gharavi Laboratory, Columbia University
Classification: Uncertain significance. Last evaluated: 2018-09-16. Review status: no assertion criteria provided. Criteria: ACMG Guidelines, 2015. Collection method: research. Allele origin: germline. Affected: no. Not counted in ClinVar's aggregate classification.

Literature cited by the submitters: PubMed 26247046 (cited by Labcorp Genetics (formerly Invitae), Labcorp); PubMed 28012042 (cited by Labcorp Genetics (formerly Invitae), Labcorp).

NM_000069.3(CACNA1S):c.2269C>T (p.Arg757Ter)

Gene: CACNA1S (calcium voltage-gated channel subunit alpha1 S; minus strand). Cytogenetic location: 1q32.1.
Variant type: single nucleotide variant.
Coding change: c.2269C>T on transcript NM_000069.3 (MANE Select); coding-DNA position 2269, C replaced by T.
Protein change: p.Arg757Ter; replaces arginine 757 with a stop codon.
Molecular consequence: nonsense.
Genome position (GRCh38, 1-based): chr1:201,070,363, G>A on the plus strand (C>T on the coding strand, the complement: CACNA1S is on the minus strand). VCF-style: chr1-201070363-G-A. GRCh37 (hg19) VCF-style: chr1-201039491-G-A.
Other names: c.2269C>T (NM_000069.2); short protein forms R757*.
Identifiers: ClinVar variation 633682 (VCV000633682.13), dbSNP rs770073633, ClinGen allele CA078912.